The following is an entry in ClinVar:

ClinVar aggregate classification (germline): Pathogenic (1 of 4 stars; one submission).

Conditions:
Fabry disease. Also called: ALPHA-GALACTOSIDASE A DEFICIENCY; ANDERSON-FABRY DISEASE; CERAMIDE TRIHEXOSIDASE DEFICIENCY; GLA DEFICIENCY; HEREDITARY DYSTOPIC LIPIDOSIS; Fabry's disease. Identifiers: Orphanet 324, MedGen C0002986, MONDO:0010526, OMIM 301500, HP:0001071. Disease mechanism: loss of function, Fabry disease is due to inactivating mutations in the X-linked GLA gene resulting in deficiency of the enzyme Alpha Galactosidase-A..

Submission:

Color Diagnostics, LLC DBA Color Health
Classification: Pathogenic for Fabry disease. Last evaluated: 2019-03-04. Review status: criteria provided, single submitter. Criteria: ACMG Guidelines, 2015. Collection method: clinical testing. Allele origin: germline.
Comment: This variant inserts 13 nucleotides in exon 1 of the GLA gene, creating a frameshift and premature translation stop signal. This variant is expected to result in an absent or non-functional protein product. To our knowledge, functional assays have not been performed for this variant nor has this variant been reported in individuals affected with Fabry disease or cardiovascular disorders in the literature. This variant has not been identified in the general population by the Genome Aggregation Database (gnomAD). Loss of function variants in the GLA gene cause Fabry disease in males. Female carriers frequently manifest clinical features, usually with later onset. Although loss of function GLA variants are not typically associated with cardiomyopathy, cardiac involvement may vary depending on individuals and variants. Based on available evidence, this variant is classified as Pathogenic.

NM_000169.3(GLA):c.31_43dup (p.Ala15fs)

Genes: RPL36A-HNRNPH2 (RPL36A-HNRNPH2 readthrough; plus strand), GLA (galactosidase alpha; minus strand). Cytogenetic location: Xq22.1.
Variant type: Duplication.
Coding change: c.31_43dup on transcript NM_000169.3 (MANE Select); coding-DNA positions 31 to 43, 13 bases duplicated (GGCTGCGCGCTTG).
Protein change: p.Ala15fs; shifts the reading frame from alanine 15.
Molecular consequence: frameshift variant. On other transcripts: non-coding transcript variant (3), intron variant (2).
Genome position (GRCh38, 1-based): chrX:101,407,861-101,407,873, CAAGCGCGCAGCC duplicated on the plus strand (GGCTGCGCGCTTG on the coding strand, the reverse complement: GLA is on the minus strand); duplicating any 13 consecutive bases within chrX:101,407,861-101,407,875 gives the same sequence; the c. name uses the placement nearest the transcript's 3' end. VCF-style (leftmost placement, unchanged base first): chrX-101407860-G-GCAAGCGCGCAGCC. GRCh37 (hg19) VCF-style: chrX-100662848-G-GCAAGCGCGCAGCC.
Other names: c.31_43dup, p.Ala15fs (NM_001406747.1, NM_001406748.1, NM_001406749.1); c.301-4073_301-4061dup (NM_001199973.2); c.178-4073_178-4061dup (NM_001199974.2); c.31_43dup (NM_000169.2); short protein forms A15fs.
Identifiers: ClinVar variation 919508 (VCV000919508.3), dbSNP rs1928595440, ClinGen allele CA913187861.